The following is an entry in ClinVar:

NM_030777.4(SLC2A10):c.1412-13C>T

Gene: SLC2A10 (solute carrier family 2 member 10; plus strand). Cytogenetic location: 20q13.12.
Variant type: single nucleotide variant.
Coding change: c.1412-13C>T on transcript NM_030777.4 (MANE Select); 13 bases into the intron before coding-DNA position 1412, C replaced by T.
Molecular consequence: intron variant.
Genome position (GRCh38, 1-based): chr20:46,729,340, C>T. VCF-style: chr20-46729340-C-T. GRCh37 (hg19) VCF-style: chr20-45357979-C-T.
Identifiers: ClinVar variation 382184 (VCV000382184.10), dbSNP rs371888996, ClinGen allele CA9892203.

ClinVar aggregate classification (germline): Likely benign. Review status: criteria provided, multiple submitters, no conflicts (2 of 4 stars). 3 submissions from 3 submitters: Likely benign (3). Last evaluated 2026-01-09.

Conditions:
Arterial tortuosity syndrome (ATORS). Identifiers: Orphanet 3342, MedGen C1859726, MONDO:0008818, OMIM 208050.

Allele frequency attached by ClinVar (database versions not stated): gnomAD 0.00002 and 0.00003; TOPMed 0.00002; gnomAD exomes 0.00003 and 0.00007; ExAC 0.00004; ESP Exome Variant Server 0.00008.
gnomAD v4.1: 107 of 1,613,110 alleles (0.0066%); highest among the groups gnomAD compares: Non-Finnish European, 0.0091%; no homozygotes.

Submissions (3):

Labcorp Genetics (formerly Invitae), Labcorp
Classification: Likely benign for Arterial tortuosity syndrome. Last evaluated: 2026-01-09. Review status: criteria provided, single submitter. Criteria: Invitae Variant Classification Sherloc (09022015). Collection method: clinical testing. Allele origin: germline.

Blueprint Genetics
Classification: Likely benign. Last evaluated: 2024-06-12. Review status: criteria provided, single submitter. Criteria: ACMG Guidelines, 2015. Collection method: clinical testing. Allele origin: germline.

GeneDx
Classification: Likely benign. Last evaluated: 2016-06-13. Review status: criteria provided, single submitter. Criteria: GeneDx Variant Classification (06012015). Collection method: clinical testing. Allele origin: germline. Affected: yes.
Comment: This variant is considered likely benign or benign based on one or more of the following criteria: it is a conservative change, it occurs at a poorly conserved position in the protein, it is predicted to be benign by multiple in silico algorithms, and/or has population frequency not consistent with disease.